The following is an entry in ClinVar:

ClinVar aggregate classification (germline): Benign/Likely benign. Review status: criteria provided, multiple submitters, no conflicts (2 of 4 stars). 2 submissions from 2 submitters: Benign (1); Likely benign (1). Last evaluated 2024-02-02.

Conditions:
Spastic paraplegia. Identifiers: MedGen C0037772, HP:0001258.

Allele frequency attached by ClinVar (database versions not stated): gnomAD 0.00001; TOPMed 0.00001; gnomAD exomes 0.00002 and 0.00003; ExAC 0.00004.
gnomAD v4.1: 22 of 1,208,618 alleles (0.0018%); highest among the groups gnomAD compares: Non-Finnish European, 0.0025%; no homozygotes.

Submissions (2):

Labcorp Genetics (formerly Invitae), Labcorp
Classification: Benign for Spastic paraplegia. Last evaluated: 2024-02-02. Review status: criteria provided, single submitter. Criteria: Invitae Variant Classification Sherloc (09022015). Collection method: clinical testing. Allele origin: germline.

CeGaT Center for Human Genetics Tuebingen
Classification: Likely benign. Last evaluated: 2023-06-01. Review status: criteria provided, single submitter. Criteria: CeGaT Center For Human Genetics Tuebingen Variant Classification Criteria Version 2. Collection method: clinical testing. Allele origin: germline. Affected: yes. Observed: 1 variant allele.
Comment: L1CAM: BP4, BP7, BS2

NM_001278116.2(L1CAM):c.33C>T (p.Leu11=)

Gene: L1CAM (L1 cell adhesion molecule; minus strand). Cytogenetic location: Xq28.
Variant type: single nucleotide variant.
Coding change: c.33C>T on transcript NM_001278116.2 (MANE Select); coding-DNA position 33, C replaced by T.
Protein change: p.Leu11=; no amino-acid change (leucine 11 retained).
Molecular consequence: synonymous variant.
Genome position (GRCh38, 1-based): chrX:153,875,804, G>A on the plus strand (C>T on the coding strand, the complement: L1CAM is on the minus strand). VCF-style: chrX-153875804-G-A. GRCh37 (hg19) VCF-style: chrX-153141259-G-A.
Other names: c.33C>T, p.Leu11= (NM_000425.5, NM_001143963.2, NM_024003.3).
Identifiers: ClinVar variation 697784 (VCV000697784.32), dbSNP rs199910719, ClinGen allele CA10554701.